The following is an entry in ClinVar:

ClinVar aggregate classification (germline): Uncertain significance (1 of 4 stars; one submission).

Conditions:
Primary dilated cardiomyopathy (DCM). Also called: Dilated Cardiomyopathy. Identifiers: Orphanet 217604, MedGen C0007193, MeSH D002311, MONDO:0005021, HP:0001644. Inheritance: Various modes of inheritance.

Allele frequency attached by ClinVar (database versions not stated): TOPMed 0.00001.
gnomAD v4.1: 7 of 1,613,962 alleles (0.00043%); highest among the groups gnomAD compares: Non-Finnish European, 0.00051%; no homozygotes.

Submission:

Labcorp Genetics (formerly Invitae), Labcorp
Classification: Uncertain significance for Primary dilated cardiomyopathy. Last evaluated: 2022-04-25. Review status: criteria provided, single submitter. Criteria: Invitae Variant Classification Sherloc (09022015). Collection method: clinical testing. Allele origin: germline.
Comment: This sequence change affects a donor splice site in intron 5 of the TXNRD2 gene. It is expected to disrupt RNA splicing. Variants that disrupt the donor or acceptor splice site typically lead to a loss of protein function (PMID: 16199547), however the current clinical and genetic evidence is not sufficient to establish whether loss-of-function variants in TXNRD2 cause disease. This variant is not present in population databases (gnomAD no frequency). This variant has not been reported in the literature in individuals affected with TXNRD2-related conditions. Algorithms developed to predict the effect of sequence changes on RNA splicing suggest that this variant may disrupt the consensus splice site. In summary, the available evidence is currently insufficient to determine the role of this variant in disease. Therefore, it has been classified as a Variant of Uncertain Significance.

Literature cited by the submitters: PubMed 16199547.

NM_006440.5(TXNRD2):c.449+2T>G

Gene: TXNRD2 (thioredoxin reductase 2; minus strand). Cytogenetic location: 22q11.21.
Variant type: single nucleotide variant.
Coding change: c.449+2T>G on transcript NM_006440.5 (MANE Select); the canonical splice donor site of the intron after coding-DNA position 449, T replaced by G.
Molecular consequence: splice donor variant.
Genome position (GRCh38, 1-based): chr22:19,918,141, A>C on the plus strand (T>G on the coding strand, the complement: TXNRD2 is on the minus strand). VCF-style: chr22-19918141-A-C. GRCh37 (hg19) VCF-style: chr22-19905664-A-C.
Other names: c.446+2T>G (NM_001352300.2); c.161+2T>G (NM_001352302.2); c.359+2T>G (NM_001352301.2); c.449+2T>G (NM_001282512.3); c.353+2T>G (NM_001352303.2).
Identifiers: ClinVar variation 2161881 (VCV002161881.4), dbSNP rs777806288, ClinGen allele CA322105489.